The following is an entry in ClinVar:

NM_017780.4(CHD7):c.398_401del (p.Arg133fs)

Gene: CHD7 (chromodomain helicase DNA binding protein 7; plus strand). Cytogenetic location: 8q12.2.
Variant type: Deletion.
Coding change: c.398_401del on transcript NM_017780.4 (MANE Select); coding-DNA positions 398 to 401, 4 bases deleted (GGCA; older notation c.398_401delGGCA).
Protein change: p.Arg133fs; shifts the reading frame from arginine 133.
Molecular consequence: frameshift variant.
Genome position (GRCh38, 1-based): chr8:60,741,830-60,741,833, GGCA deleted; deleting any 4 consecutive bases within chr8:60,741,829-60,741,833 gives the same sequence; the c. name uses the placement nearest the transcript's 3' end. VCF-style (leftmost placement, unchanged base first): chr8-60741828-GAGGC-G. GRCh37 (hg19) VCF-style: chr8-61654387-GAGGC-G.
Other names: c.398_401del, p.Arg133fs (NM_001316690.1); short protein forms R133fs.
Identifiers: ClinVar variation 2117394 (VCV002117394.4), dbSNP rs2487262838, ClinGen allele CA2580078436.

ClinVar aggregate classification (germline): Pathogenic (1 of 4 stars; one submission).

Conditions:
CHARGE syndrome (CHARGE). Also called: Hittner Hirsch Kreh syndrome; CHARGE ASSOCIATION--COLOBOMA, HEART ANOMALY, CHOANAL ATRESIA, RETARDATION, GENITAL AND EAR ANOMALIES; Coloboma, heart anomaly, choanal atresia, retardation, genital and ear anomalies; CHARGE association; Hall-Hittner syndrome. Identifiers: Orphanet 138, MedGen C0265354, MONDO:0008965.

Submission:

Labcorp Genetics (formerly Invitae), Labcorp
Classification: Pathogenic for CHARGE syndrome. Last evaluated: 2022-03-26. Review status: criteria provided, single submitter. Criteria: Invitae Variant Classification Sherloc (09022015). Collection method: clinical testing. Allele origin: germline.
Comment: For these reasons, this variant has been classified as Pathogenic. This variant has not been reported in the literature in individuals affected with CHD7-related conditions. This variant is not present in population databases (gnomAD no frequency). This sequence change creates a premature translational stop signal (p.Arg133Metfs*77) in the CHD7 gene. It is expected to result in an absent or disrupted protein product. Loss-of-function variants in CHD7 are known to be pathogenic (PMID: 22461308, 25077900).

Literature cited by the submitters: PubMed 22461308; PubMed 25077900.